The following is an entry in ClinVar:

NM_181523.3(PIK3R1):c.635-7C>G

Gene: PIK3R1 (phosphoinositide-3-kinase regulatory subunit 1; plus strand). Cytogenetic location: 5q13.1.
Variant type: single nucleotide variant.
Coding change: c.635-7C>G on transcript NM_181523.3 (MANE Select); 7 bases into the intron before coding-DNA position 635, C replaced by G.
Molecular consequence: intron variant.
Genome position (GRCh38, 1-based): chr5:68,280,521, C>G. VCF-style: chr5-68280521-C-G. GRCh37 (hg19) VCF-style: chr5-67576349-C-G.
Identifiers: ClinVar variation 578937 (VCV000578937.9), dbSNP rs1561289181, ClinGen allele CA560298851.

ClinVar aggregate classification (germline): Uncertain significance (1 of 4 stars; one submission).

Conditions:
SHORT syndrome. Also called: PIK3R1-Related SHORT Syndrome; SHORT STATURE, HYPEREXTENSIBILITY, HERNIA, OCULAR DEPRESSION, RIEGER ANOMALY, AND TEETHING DELAY; LIPODYSTROPHY, PARTIAL, WITH RIEGER ANOMALY AND SHORT STATURE. Identifiers: Orphanet 3163, MedGen C0878684, MONDO:0010026, OMIM 269880.
Immunodeficiency 36 with lymphoproliferation. Also called: Immunodeficiency 36; ACTIVATED PI3K-DELTA SYNDROME 2; Activated PI3K Delta Syndrome Type 2 (APDS2). Identifiers: Orphanet 397596, Orphanet 693681, MedGen C4014934, MONDO:0014453, OMIM 616005.
Agammaglobulinemia 7, autosomal recessive (AGM7). Also called: AGAMMAGLOBULINEMIA, AUTOSOMAL RECESSIVE, DUE TO PIK3R1 DEFECT. Identifiers: MedGen C3554689, MONDO:0014083, OMIM 615214.

Allele frequency attached by ClinVar (database versions not stated): TOPMed below 0.00001.
gnomAD v4.1: 3 of 1,375,500 alleles (0.00022%); highest among the groups gnomAD compares: Admixed American, 0.0038%; no homozygotes.

Submission:

Labcorp Genetics (formerly Invitae), Labcorp
Classification: Uncertain significance for SHORT syndrome; Immunodeficiency 36 with lymphoproliferation; Agammaglobulinemia 7, autosomal recessive. Last evaluated: 2025-12-22. Review status: criteria provided, single submitter. Criteria: Invitae Variant Classification Sherloc (09022015). Collection method: clinical testing. Allele origin: germline.
Comment: This sequence change falls in intron 5 of the PIK3R1 gene. It does not directly change the encoded amino acid sequence of the PIK3R1 protein. This variant is present in population databases (no rsID available, gnomAD 0.007%). This variant has not been reported in the literature in individuals affected with PIK3R1-related conditions. ClinVar contains an entry for this variant (Variation ID: 578937). Algorithms developed to predict the effect of sequence changes on RNA splicing suggest that this variant may disrupt the consensus splice site. In summary, the available evidence is currently insufficient to determine the role of this variant in disease. Therefore, it has been classified as a Variant of Uncertain Significance.